The following is an entry in ClinVar:

NM_016648.4(LARP7):c.503T>A (p.Phe168Tyr)

Genes: LARP7 (La ribonucleoprotein 7, transcriptional regulator; plus strand), MIR302CHG (miR-302/367 cluster host gene; minus strand). Cytogenetic location: 4q25.
Variant type: single nucleotide variant.
Coding change: c.503T>A on transcript NM_016648.4 (MANE Select); coding-DNA position 503, T replaced by A.
Protein change: p.Phe168Tyr; replaces phenylalanine 168 with tyrosine.
Molecular consequence: missense variant. On other transcripts: non-coding transcript variant (3).
Genome position (GRCh38, 1-based): chr4:112,646,906, T>A. VCF-style: chr4-112646906-T-A. GRCh37 (hg19) VCF-style: chr4-113568062-T-A.
Other names: c.503T>A, p.Phe168Tyr (NM_001267039.4, NM_001370974.1, NM_001370975.1 and 6 more transcripts); c.266T>A, p.Phe89Tyr (NM_001370981.1, NM_001370982.1); short protein forms F168Y, F89Y.
Identifiers: ClinVar variation 2088397 (VCV002088397.4), dbSNP rs1459086220, ClinGen allele CA357923741.

ClinVar aggregate classification (germline): Uncertain significance (1 of 4 stars; one submission).

Allele frequency attached by ClinVar (database versions not stated): gnomAD exomes below 0.00001.
gnomAD v4.1: 2 of 1,610,156 alleles (0.00012%); highest among the groups gnomAD compares: Non-Finnish European, 0.00017%; no homozygotes.

Submission:

Labcorp Genetics (formerly Invitae), Labcorp
Classification: Uncertain significance. Last evaluated: 2024-04-17. Review status: criteria provided, single submitter. Criteria: Invitae Variant Classification Sherloc (09022015). Collection method: clinical testing. Allele origin: germline.
Comment: This sequence change replaces phenylalanine, which is neutral and non-polar, with tyrosine, which is neutral and polar, at codon 168 of the LARP7 protein (p.Phe168Tyr). This variant is present in population databases (no rsID available, gnomAD 0.0009%). This variant has not been reported in the literature in individuals affected with LARP7-related conditions. ClinVar contains an entry for this variant (Variation ID: 2088397). Advanced modeling of protein sequence and biophysical properties (such as structural, functional, and spatial information, amino acid conservation, physicochemical variation, residue mobility, and thermodynamic stability) performed at Invitae indicates that this missense variant is expected to disrupt LARP7 protein function with a positive predictive value of 80%. In summary, the available evidence is currently insufficient to determine the role of this variant in disease. Therefore, it has been classified as a Variant of Uncertain Significance.